The following is an entry in ClinVar:

NM_000203.5(IDUA):c.1190-17_1190-16insA

Gene: IDUA (alpha-L-iduronidase; plus strand). Cytogenetic location: 4p16.3.
Variant type: Insertion.
Coding change: c.1190-17_1190-16insA on transcript NM_000203.5 (MANE Select); 17 bases into the intron before coding-DNA position 1190 through 16 bases into the intron before coding-DNA position 1190, A inserted.
Molecular consequence: intron variant.
Genome position: GRCh38 VCF-style: chr4-1002715-C-CA. GRCh37 (hg19) VCF-style: chr4-996503-C-CA.
Other names: p.?; c.794-17_794-16insA (NM_001363576.1).
Identifiers: ClinVar variation 198997 (VCV000198997.19), dbSNP rs201559436, ClinGen allele CA203701.

ClinVar aggregate classification (germline): Benign/Likely benign. Review status: criteria provided, multiple submitters, no conflicts (2 of 4 stars). 5 submissions from 5 submitters: Benign (3); Likely benign (2). Last evaluated 2026-02-02.

Conditions:
Mucopolysaccharidosis type 1. Also called: Mucopolysaccharidosis Type I; IDUA deficiency; MPS I. Identifiers: Orphanet 579, MedGen C0023786, MONDO:0001586.

Allele frequency attached by ClinVar (database versions not stated): ExAC below 0.00001; gnomAD exomes 0.00028; gnomAD 0.00382 and 0.00401; 1000 Genomes Project 0.00459; 1000 Genomes Project 30x 0.00500.

Submissions (5):

Labcorp Genetics (formerly Invitae), Labcorp
Classification: Benign for Mucopolysaccharidosis type 1. Last evaluated: 2026-02-02. Review status: criteria provided, single submitter. Criteria: Invitae Variant Classification Sherloc (09022015). Collection method: clinical testing. Allele origin: germline.

Blueprint Genetics
Classification: Likely benign. Last evaluated: 2024-09-13. Review status: criteria provided, single submitter. Criteria: ACMG Guidelines, 2015. Collection method: clinical testing. Allele origin: germline.

Mayo Clinic Laboratories, Mayo Clinic
Classification: Benign. Last evaluated: 2022-04-06. Review status: criteria provided, single submitter. Criteria: ACMG Guidelines, 2015. Collection method: clinical testing. Allele origin: germline. Observed: 7 variant alleles.
Comment: BS1, BS2, BP4, BP7

GeneDx
Classification: Likely benign. Last evaluated: 2019-12-10. Review status: criteria provided, single submitter. Criteria: GeneDx Variant Classification Process June 2021. Collection method: clinical testing. Allele origin: germline. Affected: yes.

Eurofins Ntd Llc (ga)
Classification: Benign. Last evaluated: 2017-11-02. Review status: criteria provided, single submitter. Criteria: EGL Classification Definitions 2015. Collection method: clinical testing. Allele origin: germline. Observed: 2 variant alleles, 1 heterozygote, 1 homozygote.